The following is an entry in ClinVar:

NM_207122.2(EXT2):c.1079+5G>A

Gene: EXT2 (exostosin glycosyltransferase 2; plus strand). Cytogenetic location: 11p11.2.
Variant type: single nucleotide variant.
Coding change: c.1079+5G>A on transcript NM_207122.2 (MANE Select); 5 bases into the intron after coding-DNA position 1079, G replaced by A.
Molecular consequence: intron variant.
Genome position (GRCh38, 1-based): chr11:44,126,960, G>A. VCF-style: chr11-44126960-G-A. GRCh37 (hg19) VCF-style: chr11-44148510-G-A.
Other names: c.1079+5G>A (NM_001389630.1, NM_001178083.3, NM_001389628.1); c.1178+5G>A (NM_000401.3).
Identifiers: ClinVar variation 1320295 (VCV001320295.9), dbSNP rs773025398, ClinGen allele CA5955089.

ClinVar aggregate classification (germline): Uncertain significance. Review status: criteria provided, multiple submitters, no conflicts (2 of 4 stars). 2 submissions from 2 submitters: Uncertain significance (2). Last evaluated 2022-09-20.

Conditions:
Multiple congenital exostosis (EXT). Also called: Multiple osteochondromas; Hereditary multiple exostoses; Hereditary multiple exostosis; MULTIPLE CARTILAGINOUS EXOSTOSES; Hereditary multiple osteochondromas; Multiple exostoses. Identifiers: Orphanet 321, MedGen C0015306, MONDO:0005508, HP:0002762.
Exostoses, multiple, type 2 (EXT2). Also called: Hereditary Multiple Osteochondromatosis, Type II; EXOSTOSES, MULTIPLE, TYPE II. Identifiers: Orphanet 321, MedGen C1851413, MONDO:0007586, OMIM 133701.

Allele frequency attached by ClinVar (database versions not stated): gnomAD exomes 0.00001; ExAC 0.00002; gnomAD 0.00002; TOPMed 0.00002.
gnomAD v4.1: 27 of 1,613,858 alleles (0.0017%); highest among the groups gnomAD compares: Non-Finnish European, 0.0022%; no homozygotes.

Submissions (2):

Labcorp Genetics (formerly Invitae), Labcorp
Classification: Uncertain significance for Exostoses, multiple, type 2. Last evaluated: 2022-09-20. Review status: criteria provided, single submitter. Criteria: Invitae Variant Classification Sherloc (09022015). Collection method: clinical testing. Allele origin: germline.
Comment: Variants that disrupt the consensus splice site are a relatively common cause of aberrant splicing (PMID: 17576681, 9536098). Algorithms developed to predict the effect of sequence changes on RNA splicing suggest that this variant may disrupt the consensus splice site. In summary, the available evidence is currently insufficient to determine the role of this variant in disease. Therefore, it has been classified as a Variant of Uncertain Significance. ClinVar contains an entry for this variant (Variation ID: 1320295). This variant has not been reported in the literature in individuals affected with EXT2-related conditions. This variant is present in population databases (rs773025398, gnomAD 0.004%). This sequence change falls in intron 6 of the EXT2 gene. It does not directly change the encoded amino acid sequence of the EXT2 protein. It affects a nucleotide within the consensus splice site.

St. Jude Molecular Pathology, St. Jude Children's Research Hospital
Classification: Uncertain significance for Multiple congenital exostosis. Last evaluated: 2021-08-19. Review status: criteria provided, single submitter. Criteria: St. Jude Assertion Criteria 2020. Collection method: clinical testing. Allele origin: germline.
Comment: The EXT2 c.1178+5G>A intronic change results from a G to A substitution at the +5 position of intron 6 of the EXT2 gene. Algorithms that predict the impact of sequence changes on splicing indicate that this change may result in loss of the native donor at c.1178 (PP3). RNA data demonstrates skipping of exon 6 in at least 10% of mutant reads and additional misspliced reads from exon 4 towards exon 7 (internal data). This variant has a maximum subpopulation frequency of 0.0031% in gnomAD v2.1.1. In summary, this variant meets criteria to be classified as of uncertain significance based on the ACMG/AMP criteria: PP3.

Literature cited by the submitters: PubMed 17576681 (cited by Labcorp Genetics (formerly Invitae), Labcorp); PubMed 9536098 (cited by Labcorp Genetics (formerly Invitae), Labcorp).